The following is an entry in ClinVar:

ClinVar aggregate classification (germline): Uncertain significance (1 of 4 stars; one submission).

Conditions:
Bardet-Biedl syndrome (BBS). Identifiers: Orphanet 110, MedGen C0752166, MONDO:0015229.

Allele frequency attached by ClinVar (database versions not stated): gnomAD exomes below 0.00001; TOPMed below 0.00001.

Submission:

Labcorp Genetics (formerly Invitae), Labcorp
Classification: Uncertain significance for Bardet-Biedl syndrome. Last evaluated: 2022-10-25. Review status: criteria provided, single submitter. Criteria: Invitae Variant Classification Sherloc (09022015). Collection method: clinical testing. Allele origin: germline.
Comment: This sequence change replaces isoleucine, which is neutral and non-polar, with threonine, which is neutral and polar, at codon 555 of the BBS10 protein (p.Ile555Thr). This variant is not present in population databases (gnomAD no frequency). This variant has not been reported in the literature in individuals affected with BBS10-related conditions. Advanced modeling of protein sequence and biophysical properties (such as structural, functional, and spatial information, amino acid conservation, physicochemical variation, residue mobility, and thermodynamic stability) performed at Invitae indicates that this missense variant is not expected to disrupt BBS10 protein function. In summary, the available evidence is currently insufficient to determine the role of this variant in disease. Therefore, it has been classified as a Variant of Uncertain Significance.

NM_024685.4(BBS10):c.1664T>C (p.Ile555Thr)

Gene: BBS10 (Bardet-Biedl syndrome 10; minus strand). Cytogenetic location: 12q21.2.
Variant type: single nucleotide variant.
Coding change: c.1664T>C on transcript NM_024685.4 (MANE Select); coding-DNA position 1664, T replaced by C.
Protein change: p.Ile555Thr; replaces isoleucine 555 with threonine.
Molecular consequence: missense variant.
Genome position (GRCh38, 1-based): chr12:76,346,321, A>G on the plus strand (T>C on the coding strand, the complement: BBS10 is on the minus strand). VCF-style: chr12-76346321-A-G. GRCh37 (hg19) VCF-style: chr12-76740101-A-G.
Other names: short protein forms I555T.
Identifiers: ClinVar variation 2168827 (VCV002168827.1), dbSNP rs1951757516, ClinGen allele CA385810610.
Genomic context (GRCh38, chr12:76,346,321, plus strand): 5'-GGTAACATGCTTCCCTTTCTAGTAATATTTGTGACCTGTAAATTTTCGTAAGAAATTTCT[A>G]TTCTATTTCCCCTTGTTGAATAAGCAGTGGAATTGTTCTTGAGTAATGGTTCATAATAAT-3'
Protein context (NP_078961.3, residues 545-565): STAYSTRGNR[Ile555Thr]EISYENLQVT